The following is an entry in ClinVar:

ClinVar aggregate classification (germline): Uncertain significance. Review status: criteria provided, multiple submitters, no conflicts (2 of 4 stars). 2 submissions from 2 submitters: Uncertain significance (2). Last evaluated 2024-10-09.

Allele frequency attached by ClinVar (database versions not stated): gnomAD exomes below 0.00001.

Submissions (2):

Mayo Clinic Laboratories, Mayo Clinic
Classification: Uncertain significance. Last evaluated: 2024-10-09. Review status: criteria provided, single submitter. Criteria: ACMG Guidelines, 2015. Collection method: clinical testing. Allele origin: germline. Observed: 1 variant allele.
Comment: PM2_supporting

GeneDx
Classification: Uncertain significance. Last evaluated: 2019-01-31. Review status: criteria provided, single submitter. Criteria: GeneDx Variant Classification Process June 2021. Collection method: clinical testing. Allele origin: germline. Affected: yes.
Comment: Not observed in large population cohorts (Lek et al., 2016); In silico analysis, which includes protein predictors and evolutionary conservation, supports that this variant does not alter protein structure/function; Has not been previously published as pathogenic or benign to our knowledge

NM_001191061.2(SLC25A22):c.421A>G (p.Arg141Gly)

Gene: SLC25A22 (solute carrier family 25 member 22; minus strand). Cytogenetic location: 11p15.5.
Variant type: single nucleotide variant.
Coding change: c.421A>G on transcript NM_001191061.2 (MANE Select); coding-DNA position 421, A replaced by G.
Protein change: p.Arg141Gly; replaces arginine 141 with glycine.
Molecular consequence: missense variant.
Genome position (GRCh38, 1-based): chr11:792,719, T>C on the plus strand (A>G on the coding strand, the complement: SLC25A22 is on the minus strand). VCF-style: chr11-792719-T-C. GRCh37 (hg19) VCF-style: chr11-792719-T-C.
Other names: p.Arg141Gly; c.421A>G, p.Arg141Gly (NM_001191060.2, NM_024698.6); short protein forms R141G.
Identifiers: ClinVar variation 1304992 (VCV001304992.3), dbSNP rs1332758149, ClinGen allele CA378970231.
Genomic context (GRCh38, chr11:792,719, plus strand): 5'-CCACTGAGGGCTGGGCACCCCCCTGGGCCGAGAGCTGGCCCTGGGCAGCCAGGATCTTCC[T>C]CTGGGCGGCTGGGGACAAAGAGGCTGCTGTCTCCTCTTCTGTGCGAACTGGGCAGGGGAC-3'
Protein context (NP_001177990.1, residues 131-151): LQDAGRIAAQ[Arg141Gly]KILAAQGQLS